The following is an entry in ClinVar:

NC_000017.10:g.(41243050_41243451)_(41277382_?)dup

Gene: BRCA1 (BRCA1 DNA repair associated; minus strand). Cytogenetic location: 17q21.31.
Variant type: Duplication.
Identifiers: ClinVar variation 4525970 (VCV004525970.1).

ClinVar aggregate classification (germline): Uncertain significance (1 of 4 stars; one submission).

Submission:

Women's Health and Genetics/Laboratory Corporation of America, LabCorp
Classification: Uncertain significance. Last evaluated: 2025-07-11. Review status: criteria provided, single submitter. Criteria: LabCorp Variant Classification Summary - May 2015. Collection method: clinical testing. Allele origin: germline.
Comment: Variant summary: The variant involves the duplication of exons 1-10 in the BRCA1 gene. A presumed nomenclature of c.(?_-114)_(4096+1_4097-1)dup has been designated for the purposes of this classification. The exact breakpoint at the 5' end of this variant is unknown, therefore this duplication may extend upstream of the annotated region of this gene. It is predicted to duplicate a segment including the initiation codon, therefore its impact on the encoded protein is unknown. The variant was absent in 21694 control chromosomes. The available data on variant occurrences in the general population are insufficient to allow any conclusion about variant significance. To our knowledge, no occurrence of c.(?_-114)_(4096+1_4097-1)dup in individuals affected with Hereditary Breast And Ovarian Cancer Syndrome and no experimental evidence demonstrating its impact on protein function have been reported. No submitters have cited clinical-significance assessments for this variant to ClinVar. Based on the evidence outlined above, the variant was classified as uncertain significance.